The following is an entry in ClinVar:

NM_020988.3(GNAO1):c.118+8C>T

Gene: GNAO1 (G protein subunit alpha o1; plus strand). Cytogenetic location: 16q13.
Variant type: single nucleotide variant.
Coding change: c.118+8C>T on transcript NM_020988.3 (MANE Select); 8 bases into the intron after coding-DNA position 118, C replaced by T.
Molecular consequence: intron variant.
Genome position (GRCh38, 1-based): chr16:56,192,361, C>T. VCF-style: chr16-56192361-C-T. GRCh37 (hg19) VCF-style: chr16-56226273-C-T.
Other names: c.118+8C>T (NM_138736.3).
Identifiers: ClinVar variation 699025 (VCV000699025.19), dbSNP rs372787855, ClinGen allele CA8063634.

ClinVar aggregate classification (germline): Benign/Likely benign. Review status: criteria provided, multiple submitters, no conflicts (2 of 4 stars). 3 submissions from 3 submitters: Benign (1); Likely benign (2). Last evaluated 2026-01-19.

Conditions:
Intellectual disability. Also called: Intellectual functioning disability; intellectual disabilities; Intellectual developmental disorder. Identifiers: MedGen C3714756, MeSH D008607, MONDO:0001071, HP:0001249.
Early-infantile DEE. Also called: Ohtahara syndrome; Early infantile epileptic encephalopathy with suppression bursts; Early infantile epileptic encephalopathy. Identifiers: Orphanet 1934, MedGen C0393706, MONDO:0800491.

Allele frequency attached by ClinVar (database versions not stated): gnomAD 0.00006; gnomAD exomes 0.00007 and 0.00018; TOPMed 0.00011; ESP Exome Variant Server 0.00015; ExAC 0.00005.
gnomAD v4.1: 243 of 1,499,032 alleles (0.016%); highest among the groups gnomAD compares: Non-Finnish European, 0.022%; 1 homozygote.

Submissions (3):

Labcorp Genetics (formerly Invitae), Labcorp
Classification: Likely benign for Early-infantile DEE. Last evaluated: 2026-01-19. Review status: criteria provided, single submitter. Criteria: Invitae Variant Classification Sherloc (09022015). Collection method: clinical testing. Allele origin: germline.

CeGaT Center for Human Genetics Tuebingen
Classification: Likely benign. Last evaluated: 2025-03-01. Review status: criteria provided, single submitter. Criteria: CeGaT Center For Human Genetics Tuebingen Variant Classification Criteria Version 2. Collection method: clinical testing. Allele origin: germline. Affected: yes. Observed: 1 variant allele.
Comment: GNAO1: BP4, BS2

Cambridge Genomics Laboratory, East Genomic Laboratory Hub, NHS Genomic Medicine Service
Classification: Benign for Intellectual disability. Last evaluated: 2020-04-28. Review status: criteria provided, single submitter. Criteria: ACGS Best Practice Guidelines for Variant Classification in Rare Disease 2020. Collection method: clinical testing. Allele origin: germline. Affected: yes. Observed: 1 variant allele.